The following is an entry in ClinVar:

NM_001943.5(DSG2):c.2020C>T (p.Pro674Ser)

Genes: DSG2 (desmoglein 2; plus strand), DSG2-AS1 (DSG2 antisense RNA 1; minus strand). Cytogenetic location: 18q12.1.
Variant type: single nucleotide variant.
Coding change: c.2020C>T on transcript NM_001943.5 (MANE Select); coding-DNA position 2020, C replaced by T.
Protein change: p.Pro674Ser; replaces proline 674 with serine.
Molecular consequence: missense variant.
Genome position (GRCh38, 1-based): chr18:31,542,538, C>T. VCF-style: chr18-31542538-C-T. GRCh37 (hg19) VCF-style: chr18-29122501-C-T.
Other names: c.2020C>T (NM_001943.3); short protein forms P674S.
Identifiers: ClinVar variation 1476782 (VCV001476782.10), dbSNP rs2144352935, ClinGen allele CA402141005.

ClinVar aggregate classification (germline): Uncertain significance. Review status: criteria provided, multiple submitters, no conflicts (2 of 4 stars). 4 submissions from 4 submitters: Uncertain significance (4). Last evaluated 2025-03-31.

Conditions:
Arrhythmogenic right ventricular cardiomyopathy (ARVD). Also called: Cardiomyopathy, ARVC; Arrhythmogenic right ventricular dysplasia; Arrhythmogenic cardiomyopathy; Arrhythmogenic Right Ventricular Cardiomyopathy (ARVC). Identifiers: Orphanet 247, MedGen C0349788, MeSH D019571, MONDO:0016587. Disease mechanism: loss of function. Inheritance: Various modes of inheritance.
Cardiomyopathy (CMYO). Also called: Cardiomyopathies. Identifiers: Orphanet 167848, MedGen C0878544, MONDO:0004994, HP:0001638. Inheritance: Various modes of inheritance.
Cardiovascular phenotype. Identifiers: MedGen CN230736.
Arrhythmogenic right ventricular dysplasia 10. Also called: Arrhythmogenic right ventricular dysplasia/cardiomyopathy, type 10; Arrhythmogenic Right Ventricular Dysplasia/Cardiomyopathy10; ARRHYTHMOGENIC RIGHT VENTRICULAR DYSPLASIA, FAMILIAL, 10. Identifiers: MedGen C1857777, MONDO:0012434, OMIM 610193.

Submissions (4):

Ambry Genetics
Classification: Uncertain significance for Cardiovascular phenotype. Last evaluated: 2025-03-31. Review status: criteria provided, single submitter. Criteria: Ambry Variant Classification Scheme 2023. Collection method: clinical testing. Allele origin: germline.
Comment: The p.P674S variant (also known as c.2020C>T), located in coding exon 14 of the DSG2 gene, results from a C to T substitution at nucleotide position 2020. The proline at codon 674 is replaced by serine, an amino acid with similar properties. This amino acid position is conserved. In addition, this alteration is predicted to be tolerated by in silico analysis. Based on the available evidence, the clinical significance of this variant remains unclear.

All of Us Research Program, National Institutes of Health
Classification: Uncertain significance for Arrhythmogenic right ventricular cardiomyopathy. Last evaluated: 2024-09-11. Review status: criteria provided, single submitter. Criteria: ACMG Guidelines, 2015. Collection method: clinical testing. Allele origin: germline. Inheritance: Autosomal dominant inheritance. Observed: 1 variant allele, 1 heterozygote.
Comment: This missense variant replaces proline with serine at codon 674 of the DSG2 protein. Computational prediction suggests that this variant may not impact protein structure and function (internally defined REVEL score threshold <= 0.5, PMID: 27666373). To our knowledge, functional studies have not been reported for this variant. This variant has not been reported in individuals affected with cardiovascular disorders in the literature. This variant has not been identified in the general population by the Genome Aggregation Database (gnomAD). The available evidence is insufficient to determine the role of this variant in disease conclusively. Therefore, this variant is classified as a Variant of Uncertain Significance.

This study involves interpretation of variants in research participants for the purpose of population health screening. Participant phenotype was not available at the time of variant classification. Additional details can be found in publication PMID: 35346344, PMCID: PMC8962531

Color Diagnostics, LLC DBA Color Health
Classification: Uncertain significance for Cardiomyopathy. Last evaluated: 2024-03-07. Review status: criteria provided, single submitter. Criteria: ACMG Guidelines, 2015. Collection method: clinical testing. Allele origin: germline.
Comment: This missense variant replaces proline with serine at codon 674 of the DSG2 protein. Computational prediction suggests that this variant may not impact protein structure and function (internally defined REVEL score threshold <= 0.5, PMID: 27666373). To our knowledge, functional studies have not been reported for this variant. This variant has not been reported in individuals affected with cardiovascular disorders in the literature. This variant has not been identified in the general population by the Genome Aggregation Database (gnomAD). The available evidence is insufficient to determine the role of this variant in disease conclusively. Therefore, this variant is classified as a Variant of Uncertain Significance.

Labcorp Genetics (formerly Invitae), Labcorp
Classification: Uncertain significance for Arrhythmogenic right ventricular dysplasia 10. Last evaluated: 2021-10-27. Review status: criteria provided, single submitter. Criteria: Invitae Variant Classification Sherloc (09022015). Collection method: clinical testing. Allele origin: germline.
Comment: In summary, the available evidence is currently insufficient to determine the role of this variant in disease. Therefore, it has been classified as a Variant of Uncertain Significance. Algorithms developed to predict the effect of missense changes on protein structure and function (SIFT, PolyPhen-2, Align-GVGD) all suggest that this variant is likely to be tolerated. This variant has not been reported in the literature in individuals affected with DSG2-related conditions. This variant is not present in population databases (gnomAD no frequency). This sequence change replaces proline, a(n) neutral and non-polar amino acid, with serine, a(n) neutral and polar amino acid, at codon 674 of the DSG2 protein (p.Pro674Ser).